The following is an entry in ClinVar:

NM_001122630.2(CDKN1C):c.410C>T (p.Pro137Leu)

Gene: CDKN1C (cyclin dependent kinase inhibitor 1C; minus strand). Cytogenetic location: 11p15.4.
Variant type: single nucleotide variant.
Coding change: c.410C>T on transcript NM_001122630.2 (MANE Select); coding-DNA position 410, C replaced by T.
Protein change: p.Pro137Leu; replaces proline 137 with leucine.
Molecular consequence: missense variant. On other transcripts: intron variant (1).
Genome position (GRCh38, 1-based): chr11:2,885,047, G>A on the plus strand (C>T on the coding strand, the complement: CDKN1C is on the minus strand). VCF-style: chr11-2885047-G-A. GRCh37 (hg19) VCF-style: chr11-2906277-G-A.
Other names: c.443C>T, p.Pro148Leu (NM_000076.2, NM_001362474.2); c.410C>T, p.Pro137Leu (NM_001122631.2); c.255+155C>T (NM_001362475.2); short protein forms P148L, P137L.
Identifiers: ClinVar variation 3707312 (VCV003707312.2).
Genomic context (GRCh38, chr11:2,885,047, plus strand): 5'-GGAGCCGCGACCGGAGCCGGAGCCGGGGCCGGGGCTGGAGCCAGGACCGGGACTGGGGGC[G>A]GGGTGGACGCCGGGGCCGGGACCGGGACACTAGGCAGCTGCTCCGGCGCCTCCTCGAGGC-3'
Protein context (NP_001116102.1, residues 127-147): SVPVPAPAST[Pro137Leu]PPVPVLAPAP

ClinVar aggregate classification (germline): Uncertain significance (1 of 4 stars; one submission).

Conditions:
Beckwith-Wiedemann syndrome (BWS). Also called: Exomphalos macroglossia gigantism syndrome; EMG SYNDROME. Identifiers: Orphanet 116, MedGen C0004903, MONDO:0007534, OMIM 130650.

Submission:

Labcorp Genetics (formerly Invitae), Labcorp
Classification: Uncertain significance for Beckwith-Wiedemann syndrome. Last evaluated: 2024-05-08. Review status: criteria provided, single submitter. Criteria: Invitae Variant Classification Sherloc (09022015). Collection method: clinical testing. Allele origin: germline.
Comment: This sequence change replaces proline, which is neutral and non-polar, with leucine, which is neutral and non-polar, at codon 148 of the CDKN1C protein (p.Pro148Leu). This variant is not present in population databases (gnomAD no frequency). This variant has not been reported in the literature in individuals affected with CDKN1C-related conditions. Experimental studies and prediction algorithms are not available or were not evaluated, and the functional significance of this variant is currently unknown. In summary, the available evidence is currently insufficient to determine the role of this variant in disease. Therefore, it has been classified as a Variant of Uncertain Significance.